The following is an entry in ClinVar:

ClinVar aggregate classification (germline): Uncertain significance (1 of 4 stars; one submission).

Submission:

Labcorp Genetics (formerly Invitae), Labcorp
Classification: Uncertain significance. Last evaluated: 2023-03-26. Review status: criteria provided, single submitter. Criteria: Invitae Variant Classification Sherloc (09022015). Collection method: clinical testing. Allele origin: germline.
Comment: In summary, the available evidence is currently insufficient to determine the role of this variant in disease. Therefore, it has been classified as a Variant of Uncertain Significance. Experimental studies and prediction algorithms are not available or were not evaluated, and the functional significance of this variant is currently unknown. This variant has not been reported in the literature in individuals affected with DSCAML1-related conditions. Information on the frequency of this variant in the gnomAD database is not available, as this variant may be reported differently in the database. This variant, c.72_73delinsTT, is a complex sequence change that results in the deletion of 2 and insertion of 2 amino acid(s) in the DSCAML1 protein (p.Glu24_Ser25delinsAspCys).

NM_020693.4(DSCAML1):c.-109_-108delinsTT

Gene: DSCAML1 (DS cell adhesion molecule like 1; minus strand). Cytogenetic location: 11q23.3.
Variant type: Indel.
Coding change: c.-109_-108delinsTT on transcript NM_020693.4 (MANE Select); 109 bases upstream of the start codon through 108 bases upstream of the start codon, GA replaced by TT.
Molecular consequence: 5 prime UTR variant. On other transcripts: intron variant (1).
Genome position (GRCh38, 1-based): chr11:117,797,187-117,797,188, TC replaced by AA on the plus strand (GA replaced by TT on the coding strand, the reverse complement: DSCAML1 is on the minus strand). VCF-style: chr11-117797187-TC-AA. GRCh37 (hg19) VCF-style: chr11-117667902-TC-AA.
Other names: c.-109_-108delinsTT (NM_001367904.1); c.-362-16378_-362-16377delinsTT (NM_001367905.1).
Identifiers: ClinVar variation 2849863 (VCV002849863.3), dbSNP rs2496888141, ClinGen allele CA2739271708.